The following is an entry in ClinVar:

NM_007186.6(CEP250):c.5076G>C (p.Leu1692Phe)

Gene: CEP250 (centrosomal protein 250; plus strand). Cytogenetic location: 20q11.22.
Variant type: single nucleotide variant.
Coding change: c.5076G>C on transcript NM_007186.6 (MANE Select); coding-DNA position 5076, G replaced by C.
Protein change: p.Leu1692Phe; replaces leucine 1692 with phenylalanine.
Molecular consequence: missense variant.
Genome position (GRCh38, 1-based): chr20:35,503,445, G>C. VCF-style: chr20-35503445-G-C. GRCh37 (hg19) VCF-style: chr20-34091273-G-C.
Other names: c.5076G>C (NM_007186.3); c.3180G>C, p.Leu1060Phe (NM_001318219.1); short protein forms L1060F, L1692F.
Identifiers: ClinVar variation 1355248 (VCV001355248.9), dbSNP rs758074500, ClinGen allele CA9833813.

ClinVar aggregate classification (germline): Uncertain significance. Review status: criteria provided, multiple submitters, no conflicts (2 of 4 stars). 2 submissions from 2 submitters: Uncertain significance (2). Last evaluated 2025-04-25.

Allele frequency attached by ClinVar (database versions not stated): gnomAD 0.00001; TOPMed 0.00001; ExAC 0.00002; gnomAD exomes 0.00002.
gnomAD v4.1: 8 of 1,614,024 alleles (0.0005%); highest among the groups gnomAD compares: Admixed American, 0.01%; no homozygotes.

Submissions (2):

Ambry Genetics
Classification: Uncertain significance. Last evaluated: 2025-04-25. Review status: criteria provided, single submitter. Criteria: Ambry Variant Classification Scheme 2023. Collection method: clinical testing. Allele origin: germline.

Labcorp Genetics (formerly Invitae), Labcorp
Classification: Uncertain significance. Last evaluated: 2022-09-06. Review status: criteria provided, single submitter. Criteria: Invitae Variant Classification Sherloc (09022015). Collection method: clinical testing. Allele origin: germline.
Comment: This sequence change replaces leucine, which is neutral and non-polar, with phenylalanine, which is neutral and non-polar, at codon 1692 of the CEP250 protein (p.Leu1692Phe). This variant is present in population databases (rs758074500, gnomAD 0.01%). This variant has not been reported in the literature in individuals affected with CEP250-related conditions. ClinVar contains an entry for this variant (Variation ID: 1355248). Algorithms developed to predict the effect of missense changes on protein structure and function are either unavailable or do not agree on the potential impact of this missense change (SIFT: "Not Available"; PolyPhen-2: "Probably Damaging"; Align-GVGD: "Not Available"). In summary, the available evidence is currently insufficient to determine the role of this variant in disease. Therefore, it has been classified as a Variant of Uncertain Significance.